The following is an entry in ClinVar:

NM_001127208.3(TET2):c.2777A>C (p.Asn926Thr)

Genes: TET2 (tet methylcytosine dioxygenase 2; plus strand), TET2-AS1 (TET2 antisense RNA 1; minus strand). Cytogenetic location: 4q24.
Variant type: single nucleotide variant.
Coding change: c.2777A>C on transcript NM_001127208.3 (MANE Select); coding-DNA position 2777, A replaced by C.
Protein change: p.Asn926Thr; replaces asparagine 926 with threonine.
Molecular consequence: missense variant.
Genome position (GRCh38, 1-based): chr4:105,236,719, A>C. VCF-style: chr4-105236719-A-C. GRCh37 (hg19) VCF-style: chr4-106157876-A-C.
Other names: c.2777A>C, p.Asn926Thr (NM_017628.4); short protein forms N926T.
Identifiers: ClinVar variation 3613034 (VCV003613034.3).

ClinVar aggregate classification (germline): Uncertain significance. Review status: criteria provided, multiple submitters, no conflicts (2 of 4 stars). 2 submissions from 2 submitters: Uncertain significance (2). Last evaluated 2025-01-03.

gnomAD v4.1: 4 of 1,614,018 alleles (0.00025%); highest among the groups gnomAD compares: Non-Finnish European, 0.00034%; no homozygotes.

Submissions (2):

Ambry Genetics
Classification: Uncertain significance. Last evaluated: 2025-01-03. Review status: criteria provided, single submitter. Criteria: Ambry Variant Classification Scheme 2023. Collection method: clinical testing. Allele origin: germline.
Comment: The p.N926T variant (also known as c.2777A>C), located in coding exon 1 of the TET2 gene, results from an A to C substitution at nucleotide position 2777. The asparagine at codon 926 is replaced by threonine, an amino acid with similar properties. This amino acid position is conserved. In addition, this alteration is predicted to be tolerated by in silico analysis. Based on the available evidence, the clinical significance of this variant remains unclear.

Labcorp Genetics (formerly Invitae), Labcorp
Classification: Uncertain significance. Last evaluated: 2024-11-08. Review status: criteria provided, single submitter. Criteria: Invitae Variant Classification Sherloc (09022015). Collection method: clinical testing. Allele origin: germline.
Comment: This sequence change replaces asparagine, which is neutral and polar, with threonine, which is neutral and polar, at codon 926 of the TET2 protein (p.Asn926Thr). This variant is present in population databases (rs373958593, gnomAD 0.0009%). This variant has not been reported in the literature in individuals affected with TET2-related conditions. An algorithm developed to predict the effect of missense changes on protein structure and function (PolyPhen-2) suggests that this variant is likely to be tolerated. In summary, the available evidence is currently insufficient to determine the role of this variant in disease. Therefore, it has been classified as a Variant of Uncertain Significance.